The following is an entry in ClinVar:

ClinVar aggregate classification (germline): Likely pathogenic (1 of 4 stars; one submission).

Submission:

Labcorp Genetics (formerly Invitae), Labcorp
Classification: Likely pathogenic. Last evaluated: 2023-03-08. Review status: criteria provided, single submitter. Criteria: Invitae Variant Classification Sherloc (09022015). Collection method: clinical testing. Allele origin: germline.
Comment: This sequence change affects an acceptor splice site in intron 10 of the SLC26A3 gene. It is expected to disrupt RNA splicing. Variants that disrupt the donor or acceptor splice site typically lead to a loss of protein function (PMID: 16199547), and loss-of-function variants in SLC26A3 are known to be pathogenic (PMID: 9718329, 21394828). This variant is not present in population databases (gnomAD no frequency). This variant has not been reported in the literature in individuals affected with SLC26A3-related conditions. Algorithms developed to predict the effect of sequence changes on RNA splicing suggest that this variant may disrupt the consensus splice site. In summary, the currently available evidence indicates that the variant is pathogenic, but additional data are needed to prove that conclusively. Therefore, this variant has been classified as Likely Pathogenic.

Literature cited by the submitters: PubMed 16199547; PubMed 9718329; PubMed 21394828.

NM_000111.3(SLC26A3):c.1234-1G>A

Gene: SLC26A3 (solute carrier family 26 member 3; minus strand). Cytogenetic location: 7q22.3.
Variant type: single nucleotide variant.
Coding change: c.1234-1G>A on transcript NM_000111.3 (MANE Select); the canonical splice acceptor site of the intron before coding-DNA position 1234, G replaced by A.
Molecular consequence: splice acceptor variant.
Genome position (GRCh38, 1-based): chr7:107,782,875, C>T on the plus strand (G>A on the coding strand, the complement: SLC26A3 is on the minus strand). VCF-style: chr7-107782875-C-T. GRCh37 (hg19) VCF-style: chr7-107423320-C-T.
Identifiers: ClinVar variation 2843709 (VCV002843709.3), dbSNP rs2535462796, ClinGen allele CA368851702.